The following is an entry in ClinVar:

ClinVar aggregate classification (germline): Likely pathogenic (1 of 4 stars; one submission).

Conditions:
Junctional epidermolysis bullosa gravis of Herlitz. Also called: Herlitz-type junctional epidermolysis bullosa; EPIDERMOLYSIS BULLOSA, JUNCTIONAL 1B, SEVERE; EPIDERMOLYSIS BULLOSA JUNCTIONALIS, HERLITZ TYPE; EPIDERMOLYSIS BULLOSA, JUNCTIONAL, HERLITZ-PEARSON TYPE; JEB-HERLITZ TYPE; Epidermolysis Bullosa Letalis. Identifiers: Orphanet 79404, MedGen C0079683, MONDO:0009182, OMIM 226700.

Submission:

Myriad Genetics, Inc.
Classification: Likely pathogenic for Junctional epidermolysis bullosa gravis of Herlitz. Last evaluated: 2022-05-18. Review status: criteria provided, single submitter. Criteria: Myriad Women's Health Autosomal Recessive and X-Linked Classification Criteria (2021). Collection method: clinical testing. Allele origin: unknown.
Comment: NM_005562.2(LAMC2):c.2362dupC(Q788Pfs*12) is expected to be pathogenic in the context of junctional epidermolysis bullosa, LAMC2-related. This variant is predicted to lead to an abnormal or absent protein product due to the creation of a premature termination codon in LAMC2, a gene where loss-of-function variants are known to be pathogenic. Please note: this variant was assessed in the context of healthy population screening.

NM_005562.3(LAMC2):c.2362dup (p.Gln788fs)

Gene: LAMC2 (laminin subunit gamma 2; plus strand). Cytogenetic location: 1q25.3.
Variant type: Duplication.
Coding change: c.2362dup on transcript NM_005562.3 (MANE Select); coding-DNA position 2362, one base duplicated (C; older notation c.2362dupC).
Protein change: p.Gln788fs; shifts the reading frame from glutamine 788.
Molecular consequence: frameshift variant.
Genome position (GRCh38, 1-based): chr1:183,235,636, C duplicated. VCF-style (leftmost placement, unchanged base first): chr1-183235635-A-AC. GRCh37 (hg19) VCF-style: chr1-183204770-A-AC.
Other names: c.2362dup, p.Gln788fs (NM_018891.3); short protein forms Q788fs.
Identifiers: ClinVar variation 1726125 (VCV001726125.2), dbSNP rs2526107671, ClinGen allele CA2580061602.
Genomic context (GRCh38, chr1:183,235,635, plus strand): 5'-CCACGTTGAGTCAGCCAGTAACATGGAGCAACTGACAAGGGAAACTGAGGACTATTCCAA[A>AC]CAAGCCCTCTCACTGGTGCGCAAGGCCCTGCATGAAGGAGTCGGAAGCGGAAGCGGTAGC-3'